The following is an entry in ClinVar:

NM_020338.4(ZMIZ1):c.731A>G (p.Tyr244Cys)

Gene: ZMIZ1 (zinc finger MIZ-type containing 1; plus strand). Cytogenetic location: 10q22.3.
Variant type: single nucleotide variant.
Coding change: c.731A>G on transcript NM_020338.4 (MANE Select); coding-DNA position 731, A replaced by G.
Protein change: p.Tyr244Cys; replaces tyrosine 244 with cysteine.
Molecular consequence: missense variant.
Genome position (GRCh38, 1-based): chr10:79,291,149, A>G. VCF-style: chr10-79291149-A-G. GRCh37 (hg19) VCF-style: chr10-81050906-A-G.
Other names: short protein forms Y244C.
Identifiers: ClinVar variation 4882490 (VCV004882490.2).

ClinVar aggregate classification (germline): Uncertain significance (1 of 4 stars; one submission).

Submission:

Dasa
Classification: Uncertain significance. Last evaluated: 2025-01-13. Review status: criteria provided, single submitter. Criteria: DASA Assertion Criteria. Collection method: clinical testing. Allele origin: germline.
Comment: NM_020338.4(ZMIZ1):c.731A>G (p.Tyr244Cys) is a missense variant that results in the substitution of tyrosine with cysteine. This variant is absent from population databases. Computational prediction algorithms are consistent with a benign effect. The currently available literature and clinical evidence are not sufficient to establish a definitive association between this variant and the reported condition. Therefore, this variant is classified as a variant of uncertain significance.